The following is an entry in ClinVar:

ClinVar aggregate classification (germline): Uncertain significance (1 of 4 stars; one submission).

Conditions:
Glycine encephalopathy. Also called: Nonketotic hyperglycinemia; Non-ketotic hyperglycinemia. Identifiers: Orphanet 407, MedGen C0751748, MONDO:0011612, HP:0008288.

Allele frequency attached by ClinVar (database versions not stated): ExAC 0.00001; gnomAD exomes 0.00001.
gnomAD v4.1: 2 of 1,614,120 alleles (0.00012%); highest among the groups gnomAD compares: East Asian, 0.0045%; no homozygotes.

Submission:

Labcorp Genetics (formerly Invitae), Labcorp
Classification: Uncertain significance for Glycine encephalopathy. Last evaluated: 2022-02-05. Review status: criteria provided, single submitter. Criteria: Invitae Variant Classification Sherloc (09022015). Collection method: clinical testing. Allele origin: germline.
Comment: This sequence change replaces arginine, which is basic and polar, with tryptophan, which is neutral and slightly polar, at codon 303 of the GLDC protein (p.Arg303Trp). This variant is present in population databases (rs753551054, gnomAD 0.01%). This variant has not been reported in the literature in individuals affected with GLDC-related conditions. Advanced modeling of protein sequence and biophysical properties (such as structural, functional, and spatial information, amino acid conservation, physicochemical variation, residue mobility, and thermodynamic stability) performed at Invitae indicates that this missense variant is expected to disrupt GLDC protein function. In summary, the available evidence is currently insufficient to determine the role of this variant in disease. Therefore, it has been classified as a Variant of Uncertain Significance.

NM_000170.3(GLDC):c.907A>T (p.Arg303Trp)

Gene: GLDC (glycine decarboxylase; minus strand). Cytogenetic location: 9p24.1.
Variant type: single nucleotide variant.
Coding change: c.907A>T on transcript NM_000170.3 (MANE Select); coding-DNA position 907, A replaced by T.
Protein change: p.Arg303Trp; replaces arginine 303 with tryptophan.
Molecular consequence: missense variant.
Genome position (GRCh38, 1-based): chr9:6,604,739, T>A on the plus strand (A>T on the coding strand, the complement: GLDC is on the minus strand). VCF-style: chr9-6604739-T-A. GRCh37 (hg19) VCF-style: chr9-6604739-T-A.
Other names: short protein forms R303W.
Identifiers: ClinVar variation 1518114 (VCV001518114.5), dbSNP rs753551054, ClinGen allele CA4980925.